The following is an entry in ClinVar:

NM_002185.5(IL7R):c.132C>A (p.Ser44Arg)

Gene: IL7R (interleukin 7 receptor; plus strand). Cytogenetic location: 5p13.2.
Variant type: single nucleotide variant.
Coding change: c.132C>A on transcript NM_002185.5 (MANE Select); coding-DNA position 132, C replaced by A.
Protein change: p.Ser44Arg; replaces serine 44 with arginine.
Molecular consequence: missense variant. On other transcripts: non-coding transcript variant (1).
Genome position (GRCh38, 1-based): chr5:35,860,901, C>A. VCF-style: chr5-35860901-C-A. GRCh37 (hg19) VCF-style: chr5-35861003-C-A.
Other names: c.132C>A, p.Ser44Arg (NM_001410734.1); short protein forms S44R.
Identifiers: ClinVar variation 3768804 (VCV003768804.1).

ClinVar aggregate classification (germline): Uncertain significance (1 of 4 stars; one submission).

gnomAD v4.1: 22 of 1,613,254 alleles (0.0014%); highest among the groups gnomAD compares: Non-Finnish European, 0.0015%; no homozygotes.

Submission:

Women's Health and Genetics/Laboratory Corporation of America, LabCorp
Classification: Uncertain significance. Last evaluated: 2025-02-03. Review status: criteria provided, single submitter. Criteria: LabCorp Variant Classification Summary - May 2015. Collection method: clinical testing. Allele origin: germline.
Comment: Variant summary: IL7R c.132C>A (p.Ser44Arg) results in a non-conservative amino acid change in the encoded protein sequence. Four of five in-silico tools predict a damaging effect of the variant on protein function. The variant allele was found at a frequency of 4e-06 in 251166 control chromosomes (gnomAD). c.132C>A has been reported in the literature in individuals affected with Severe Combined Immunodeficiency (Giliani_2005). These data indicate that the variant may be associated with disease. To our knowledge, no experimental evidence demonstrating an impact on protein function has been reported. The following publication has been ascertained in the context of this evaluation (PMID: 15661025). No submitters have cited clinical-significance assessments for this variant to ClinVar. Based on the evidence outlined above, the variant was classified as VUS-possibly pathogenic.

Literature cited by the submitters: PubMed 15661025.